The following is an entry in ClinVar:

NM_173630.4(RTTN):c.6479G>A (p.Arg2160Lys)

Gene: RTTN (rotatin; minus strand). Cytogenetic location: 18q22.2.
Variant type: single nucleotide variant.
Coding change: c.6479G>A on transcript NM_173630.4 (MANE Select); coding-DNA position 6479, G replaced by A.
Protein change: p.Arg2160Lys; replaces arginine 2160 with lysine.
Molecular consequence: missense variant.
Genome position (GRCh38, 1-based): chr18:70,006,427, C>T on the plus strand (G>A on the coding strand, the complement: RTTN is on the minus strand). VCF-style: chr18-70006427-C-T. GRCh37 (hg19) VCF-style: chr18-67673663-C-T.
Other names: c.3743G>A, p.Arg1248Lys (NM_001318520.2); short protein forms R1248K, R2160K.
Identifiers: ClinVar variation 2191594 (VCV002191594.4), dbSNP rs772690898, ClinGen allele CA8994649.

ClinVar aggregate classification (germline): Uncertain significance (1 of 4 stars; one submission).

Allele frequency attached by ClinVar (database versions not stated): ExAC 0.00001; gnomAD 0.00001; gnomAD exomes 0.00001; TOPMed 0.00001.
gnomAD v4.1: 18 of 1,613,904 alleles (0.0011%); highest among the groups gnomAD compares: Non-Finnish European, 0.0012%; no homozygotes.

Submission:

Labcorp Genetics (formerly Invitae), Labcorp
Classification: Uncertain significance. Last evaluated: 2022-05-04. Review status: criteria provided, single submitter. Criteria: Invitae Variant Classification Sherloc (09022015). Collection method: clinical testing. Allele origin: germline.
Comment: In summary, the available evidence is currently insufficient to determine the role of this variant in disease. Therefore, it has been classified as a Variant of Uncertain Significance. Algorithms developed to predict the effect of missense changes on protein structure and function output the following: SIFT: "Tolerated"; PolyPhen-2: "Benign"; Align-GVGD: "Class C0". The lysine amino acid residue is found in multiple mammalian species, which suggests that this missense change does not adversely affect protein function. This variant has not been reported in the literature in individuals affected with RTTN-related conditions. This variant is present in population databases (rs772690898, gnomAD 0.002%). This sequence change replaces arginine, which is basic and polar, with lysine, which is basic and polar, at codon 2160 of the RTTN protein (p.Arg2160Lys).